The following is an entry in ClinVar:

ClinVar aggregate classification (germline): Likely benign (0 of 4 stars; one submission).

Conditions:
TALDO1-related disorder. Also called: TALDO1-related condition.

Allele frequency attached by ClinVar (database versions not stated): ESP Exome Variant Server 0.00038.
gnomAD v4.1: 101 of 1,613,948 alleles (0.0063%); highest among the groups gnomAD compares: African/African-American, 0.12%; no homozygotes.

Submission:

PreventionGenetics, part of Exact Sciences
Classification: Likely benign for TALDO1-related condition. Last evaluated: 2021-05-26. Review status: no assertion criteria provided. Collection method: clinical testing. Allele origin: germline.
Comment: This variant is classified as likely benign based on ACMG/AMP sequence variant interpretation guidelines (Richards et al. 2015 PMID: 25741868, with internal and published modifications).

NM_006755.2(TALDO1):c.*1C>G

Gene: TALDO1 (transaldolase 1; plus strand). Cytogenetic location: 11p15.5.
Variant type: single nucleotide variant.
Coding change: c.*1C>G on transcript NM_006755.2 (MANE Select); 1 bases downstream of the stop codon, C replaced by G.
Molecular consequence: 3 prime UTR variant.
Genome position (GRCh38, 1-based): chr11:764,846, C>G. VCF-style: chr11-764846-C-G. GRCh37 (hg19) VCF-style: chr11-764846-C-G.
Identifiers: ClinVar variation 3051880 (VCV003051880.2), dbSNP rs145192861, ClinGen allele CA5788414.